The following is an entry in ClinVar:

NM_000135.4(FANCA):c.3901T>A (p.Ser1301Thr)

Genes: FANCA (FA complementation group A; minus strand), ZNF276 (zinc finger protein 276; plus strand). Cytogenetic location: 16q24.3.
Variant type: single nucleotide variant.
Coding change: c.3901T>A on transcript NM_000135.4 (MANE Select); coding-DNA position 3901, T replaced by A.
Protein change: p.Ser1301Thr; replaces serine 1301 with threonine.
Molecular consequence: missense variant. On other transcripts: 3 prime UTR variant (2), non-coding transcript variant (4).
Genome position (GRCh38, 1-based): chr16:89,740,027, A>T on the plus strand (T>A on the coding strand, the complement: FANCA is on the minus strand). VCF-style: chr16-89740027-A-T. GRCh37 (hg19) VCF-style: chr16-89806435-A-T.
Other names: c.3901T>A, p.Ser1301Thr (NM_001286167.3); c.*1781A>T (NM_001113525.2, NM_152287.4); c.3901T>A (NM_000135.3); short protein forms S1301T.
Identifiers: ClinVar variation 321331 (VCV000321331.17), dbSNP rs765162125, ClinGen allele CA8250917.

ClinVar aggregate classification (germline): Uncertain significance. Review status: criteria provided, multiple submitters, no conflicts (2 of 4 stars). 8 submissions from 8 submitters: Uncertain significance (7). 1 of the submissions does not count toward it. Last evaluated 2026-10-01.

Conditions:
Fanconi anemia (FA). Also called: Fanconi's anemia. Identifiers: Orphanet 84, MedGen C0015625, MeSH D005199, MONDO:0019391.
Fanconi anemia complementation group A (FANCA). Also called: Fanconi anemia, group A; FANCA-Related Fanconi Anemia. Identifiers: Orphanet 84, MedGen C3469521, MONDO:0009215, OMIM 227650.

Allele frequency attached by ClinVar (database versions not stated): TOPMed 0.00003.
gnomAD v4.1: 37 of 1,614,048 alleles (0.0023%); highest among the groups gnomAD compares: Middle Eastern, 0.016%; no homozygotes.

Submissions (8):

St. Jude Molecular Pathology, St. Jude Children's Research Hospital
Classification: Uncertain significance for Fanconi anemia complementation group A. Last evaluated: 2026-10-01. Review status: criteria provided, single submitter. Criteria: St. Jude Assertion Criteria 2020. Collection method: clinical testing. Allele origin: germline.
Comment: The FANCA c.3901T>A p.(Ser1301Thr) missense change has a maximum subpopulation frequency of 0.006% in gnomAD v2.1.1 (.). The in silico tool REVEL is inconclusive about a pathogenic or benign effect of this variant on protein function, and to our knowledge functional studies have not been performed. To our knowledge, this variant has not been reported in individuals with Fanconi anemia. In summary, the evidence currently available is insufficient to determine the clinical significance of this variant. It has therefore been classified as of uncertain significance.

Quest Diagnostics Nichols Institute San Juan Capistrano
Classification: Uncertain significance. Last evaluated: 2025-06-25. Review status: criteria provided, single submitter. Criteria: Quest Diagnostics criteria. Collection method: clinical testing. Allele origin: unknown.
Comment: The FANCA c.3901T>A (p.Ser1301Thr) variant has been reported in the published literature in an individual with ovarian cancer (PMID: 32546565 (2021)). The frequency of this variant in the general population (Genome Aggregation Database) is uninformative in the assessment of its pathogenicity. Analysis of this variant using bioinformatics tools for the prediction of the effect of amino acid changes on protein structure and function yielded predictions that this variant is benign. Based on the available information, we are unable to determine the clinical significance of this variant.

Fulgent Genetics
Classification: Uncertain significance for Fanconi anemia complementation group A. Last evaluated: 2024-04-19. Review status: criteria provided, single submitter. Criteria: ACMG Guidelines, 2015. Collection method: clinical testing. Allele origin: germline.

Women's Health and Genetics/Laboratory Corporation of America, LabCorp
Classification: Uncertain significance. Last evaluated: 2022-06-08. Review status: criteria provided, single submitter. Criteria: LabCorp Variant Classification Summary - May 2015. Collection method: clinical testing. Allele origin: germline.
Comment: Variant summary: FANCA c.3901T>A (p.Ser1301Thr) results in a conservative amino acid change in the encoded protein sequence. Five of five in-silico tools predict a benign effect of the variant on protein function. The variant allele was found at a frequency of 3.6e-05 in 251486 control chromosomes. The available data on variant occurrences in the general population are insufficient to allow any conclusion about variant significance. To our knowledge c.3901T>A has not been reported in the literature in individuals affected with Fanconi Anemia and no experimental evidence demonstrating an impact on protein function has been reported. Four assessments for this variant have been submitted to ClinVar after 2014 and all classified the variant as uncertain significance. Based on the evidence outlined above, the variant was classified as uncertain significance.

Labcorp Genetics (formerly Invitae), Labcorp
Classification: Uncertain significance for Fanconi anemia. Last evaluated: 2022-02-10. Review status: criteria provided, single submitter. Criteria: Invitae Variant Classification Sherloc (09022015). Collection method: clinical testing. Allele origin: germline.
Comment: This sequence change replaces serine, which is neutral and polar, with threonine, which is neutral and polar, at codon 1301 of the FANCA protein (p.Ser1301Thr). This variant is present in population databases (rs765162125, gnomAD 0.006%). This variant has not been reported in the literature in individuals affected with FANCA-related conditions. ClinVar contains an entry for this variant (Variation ID: 321331). Advanced modeling of protein sequence and biophysical properties (such as structural, functional, and spatial information, amino acid conservation, physicochemical variation, residue mobility, and thermodynamic stability) performed at Invitae indicates that this missense variant is not expected to disrupt FANCA protein function. In summary, the available evidence is currently insufficient to determine the role of this variant in disease. Therefore, it has been classified as a Variant of Uncertain Significance.

Institute for Clinical Genetics, University Hospital TU Dresden, University Hospital TU Dresden
Classification: Uncertain significance. Last evaluated: 2021-11-03. Review status: criteria provided, single submitter. Criteria: ACMG Guidelines, 2015. Collection method: clinical testing. Allele origin: germline.

Illumina Laboratory Services, Illumina
Classification: Uncertain significance for Fanconi anemia complementation group A. Last evaluated: 2018-01-13. Review status: criteria provided, single submitter. Criteria: ICSL Variant Classification Criteria 13 December 2019. Collection method: clinical testing. Allele origin: germline.

Natera, Inc.
Classification: Uncertain significance for Fanconi anemia. Last evaluated: 2020-10-05. Review status: no assertion criteria provided. Collection method: clinical testing. Allele origin: germline. Not counted in ClinVar's aggregate classification.

Literature cited by the submitters: PubMed 30919572 (cited by Quest Diagnostics Nichols Institute San Juan Capistrano and Women's Health and Genetics/Laboratory Corporation of America, LabCorp); PubMed 32546565 (cited by Quest Diagnostics Nichols Institute San Juan Capistrano).